The following is an entry in ClinVar:

ClinVar aggregate classification (germline): Likely pathogenic. Review status: criteria provided, multiple submitters, no conflicts (2 of 4 stars). 2 submissions from 2 submitters: Likely pathogenic (2). Last evaluated 2026-03-06.

Conditions:
Marfan syndrome (MFS). Also called: Marfan's syndrome; Marfan syndrome, classic; MARFAN SYNDROME, TYPE I; Marfan syndrome type 1; FBN1-Related Marfan Syndrome. Identifiers: Orphanet 284963, Orphanet 558, MedGen C0024796, MONDO:0007947, OMIM 154700.
Familial thoracic aortic aneurysm and aortic dissection (TAAD). Also called: Thoracic aortic aneurysms and dissections. Identifiers: Orphanet 91387, MedGen C4707243, MONDO:0019625.

Submissions (2):

Ambry Genetics
Classification: Likely pathogenic for Familial thoracic aortic aneurysm and aortic dissection. Last evaluated: 2026-03-06. Review status: criteria provided, single submitter. Criteria: Ambry Variant Classification Scheme 2023. Collection method: clinical testing. Allele origin: germline.
Comment: The p.D2487G variant (also known as c.7460A>G), located in coding exon 60 of the FBN1 gene, results from an A to G substitution at nucleotide position 7460. The aspartic acid at codon 2487 is replaced by glycine, an amino acid with similar properties. This variant was reported in individual(s) with features consistent with Marfan syndrome (external communication; Ambry internal data). This variant alters a conserved residue in the calcium-binding consensus sequence of a cbEGF domain and is expected to disrupt FBN1 function (Handford PA et al. Nature. 1991; 351(6322):164-7). This amino acid position is highly conserved in available vertebrate species. In addition, this alteration is predicted to be deleterious by in silico analysis. This variant is considered to be rare based on population cohorts in the Genome Aggregation Database (gnomAD). Based on the majority of available evidence to date, this variant is likely to be pathogenic.

Labcorp Genetics (formerly Invitae), Labcorp
Classification: Likely pathogenic for Marfan syndrome; Familial thoracic aortic aneurysm and aortic dissection. Last evaluated: 2024-12-10. Review status: criteria provided, single submitter. Criteria: Invitae Variant Classification Sherloc (09022015). Collection method: clinical testing. Allele origin: germline.
Comment: This sequence change replaces aspartic acid, which is acidic and polar, with glycine, which is neutral and non-polar, at codon 2487 of the FBN1 protein (p.Asp2487Gly). This variant is not present in population databases (gnomAD no frequency). This missense change has been observed in individuals with clinical features of Marfan syndrome (internal data). ClinVar contains an entry for this variant (Variation ID: 1759019). Invitae Evidence Modeling of protein sequence and biophysical properties (such as structural, functional, and spatial information, amino acid conservation, physicochemical variation, residue mobility, and thermodynamic stability) indicates that this missense variant is expected to disrupt FBN1 protein function with a positive predictive value of 95%. In summary, the currently available evidence indicates that the variant is pathogenic, but additional data are needed to prove that conclusively. Therefore, this variant has been classified as Likely Pathogenic.

NM_000138.5(FBN1):c.7460A>G (p.Asp2487Gly)

Gene: FBN1 (fibrillin 1; minus strand). Cytogenetic location: 15q21.1.
Variant type: single nucleotide variant.
Coding change: c.7460A>G on transcript NM_000138.5 (MANE Select); coding-DNA position 7460, A replaced by G.
Protein change: p.Asp2487Gly; replaces aspartic acid 2487 with glycine.
Molecular consequence: missense variant.
Genome position (GRCh38, 1-based): chr15:48,422,062, T>C on the plus strand (A>G on the coding strand, the complement: FBN1 is on the minus strand). VCF-style: chr15-48422062-T-C. GRCh37 (hg19) VCF-style: chr15-48714259-T-C.
Other names: c.7460A>G, p.Asp2487Gly (NM_001406716.1); short protein forms D2487G.
Identifiers: ClinVar variation 1759019 (VCV001759019.6), dbSNP rs2505399901, ClinGen allele CA392326235.
Genomic context (GRCh38, chr15:48,422,062, plus strand): 5'-AAGCCGCCAATGGTGTTAACACATAGGAACTGGCAGTTGTGTTGCTTGGTTGCACACTCA[T>C]CAAGATCTACAAGAAAATGCAAGAGAGGCATTTGAGTCAAGCCAACAAAACAGGATCAGG-3'
Protein context (NP_000129.3, residues 2477-2497): QEDGRSCKDL[Asp2487Gly]ECATKQHNCQ